The following is an entry in ClinVar:

ClinVar aggregate classification (germline): Uncertain significance (1 of 4 stars; one submission).

Conditions:
GRN-related frontotemporal lobar degeneration with Tdp43 inclusions (FTD2). Also called: DEMENTIA, HEREDITARY DYSPHASIC DISINHIBITION; FRONTOTEMPORAL LOBAR DEGENERATION WITH UBIQUITIN-POSITIVE INCLUSIONS; FTLD-TDP, GRN-RELATED; GRN Frontotemporal Dementia; FRONTOTEMPORAL DEMENTIA WITH TDP43 INCLUSIONS, GRN-RELATED. Identifiers: Orphanet 100070, Orphanet 282, MedGen C1843792, MONDO:0011842, OMIM 607485. Disease mechanism: loss of function.
Neuronal ceroid lipofuscinosis 11. Also called: GRN-Related Neuronal Ceroid-Lipofuscinosis. Identifiers: Orphanet 314629, Orphanet 79262, MedGen C3539123, MONDO:0013866, OMIM 614706.

Submission:

Labcorp Genetics (formerly Invitae), Labcorp
Classification: Uncertain significance for Neuronal ceroid lipofuscinosis 11; GRN-related frontotemporal lobar degeneration with Tdp43 inclusions. Last evaluated: 2023-08-10. Review status: criteria provided, single submitter. Criteria: Invitae Variant Classification Sherloc (09022015). Collection method: clinical testing. Allele origin: germline.
Comment: This sequence change replaces valine, which is neutral and non-polar, with isoleucine, which is neutral and non-polar, at codon 174 of the GRN protein (p.Val174Ile). This variant is not present in population databases (gnomAD no frequency). This variant has not been reported in the literature in individuals affected with GRN-related conditions. ClinVar contains an entry for this variant (Variation ID: 2015426). Advanced modeling of protein sequence and biophysical properties (such as structural, functional, and spatial information, amino acid conservation, physicochemical variation, residue mobility, and thermodynamic stability) performed at Invitae indicates that this missense variant is not expected to disrupt GRN protein function. In summary, the available evidence is currently insufficient to determine the role of this variant in disease. Therefore, it has been classified as a Variant of Uncertain Significance.

NM_002087.4(GRN):c.520G>A (p.Val174Ile)

Gene: GRN (granulin precursor; plus strand). Cytogenetic location: 17q21.31.
Variant type: single nucleotide variant.
Coding change: c.520G>A on transcript NM_002087.4 (MANE Select); coding-DNA position 520, G replaced by A.
Protein change: p.Val174Ile; replaces valine 174 with isoleucine.
Molecular consequence: missense variant.
Genome position (GRCh38, 1-based): chr17:44,350,499, G>A. VCF-style: chr17-44350499-G-A. GRCh37 (hg19) VCF-style: chr17-42427867-G-A.
Other names: short protein forms V174I.
Identifiers: ClinVar variation 2015426 (VCV002015426.4), dbSNP rs2510055656, ClinGen allele CA399763714.
Genomic context (GRCh38, chr17:44,350,499, plus strand): 5'-CAGGCTTCCTGCTGTGAAGACAGGGTGCACTGCTGTCCGCACGGTGCCTTCTGCGACCTG[G>A]TTCACACCCGCTGCATCACACCCACGGGCACCCACCCCCTGGCAAAGAAGCTCCCTGCCC-3'
Protein context (NP_002078.1, residues 164-184): CCPHGAFCDL[Val174Ile]HTRCITPTGT